The following is an entry in ClinVar:

NM_015065.3(EXPH5):c.1250C>T (p.Ser417Leu)

Gene: EXPH5 (exophilin 5; minus strand). Cytogenetic location: 11q22.3.
Variant type: single nucleotide variant.
Coding change: c.1250C>T on transcript NM_015065.3 (MANE Select); coding-DNA position 1250, C replaced by T.
Protein change: p.Ser417Leu; replaces serine 417 with leucine.
Molecular consequence: missense variant.
Genome position (GRCh38, 1-based): chr11:108,514,257, G>A on the plus strand (C>T on the coding strand, the complement: EXPH5 is on the minus strand). VCF-style: chr11-108514257-G-A. GRCh37 (hg19) VCF-style: chr11-108384984-G-A.
Other names: c.1022C>T, p.Ser341Leu (NM_001441070.1, NM_001441071.1, NM_001441072.1 and 5 more transcripts); c.1019C>T, p.Ser340Leu (NM_001441073.1, NM_001441074.1, NM_001441075.1); c.779C>T, p.Ser260Leu (NM_001441076.1); c.782C>T, p.Ser261Leu (NM_001144764.2); c.686C>T, p.Ser229Leu (NM_001144765.2); c.1229C>T, p.Ser410Leu (NM_001308019.2); c.1247C>T, p.Ser416Leu (NM_001441059.1); c.1226C>T, p.Ser409Leu (NM_001441060.1); short protein forms S260L, S340L, S409L, S410L, S341L, S229L, S261L, S416L.
Identifiers: ClinVar variation 4252072 (VCV004252072.3).

ClinVar aggregate classification (germline): Conflicting classifications of pathogenicity. Review status: criteria provided, conflicting classifications (1 of 4 stars). 3 submissions from 3 submitters: Uncertain significance (1); Likely benign (2). Last evaluated 2026-02-22.

Conditions:
EXPH5-related disorder. Also called: EXPH5-related condition.
Inborn genetic diseases. Identifiers: MedGen C0950123, MeSH D030342.

gnomAD v4.1: 130 of 1,614,126 alleles (0.0081%); highest among the groups gnomAD compares: African/African-American, 0.16%; no homozygotes.

Submissions (3):

PreventionGenetics, part of Exact Sciences
Classification: Likely benign for EXPH5-related condition. Last evaluated: 2026-02-22. Review status: criteria provided, single submitter. Criteria: ACMG Guidelines, 2015. Collection method: clinical testing. Allele origin: germline.
Comment: This variant is classified as likely benign based on ACMG/AMP sequence variant interpretation guidelines (Richards et al. 2015 PMID: 25741868, with internal and published modifications).

Labcorp Genetics (formerly Invitae), Labcorp
Classification: Likely benign. Last evaluated: 2025-12-10. Review status: criteria provided, single submitter. Criteria: Invitae Variant Classification Sherloc (09022015). Collection method: clinical testing. Allele origin: germline.

Ambry Genetics
Classification: Uncertain significance for Inborn genetic diseases. Last evaluated: 2025-07-02. Review status: criteria provided, single submitter. Criteria: Ambry Variant Classification Scheme 2023. Collection method: clinical testing. Allele origin: germline.